The following is an entry in ClinVar:

ClinVar aggregate classification (germline): Uncertain significance (1 of 4 stars; one submission).

gnomAD v4.1: 24 of 1,614,006 alleles (0.0015%); highest among the groups gnomAD compares: African/African-American, 0.011%; no homozygotes.

Submission:

Labcorp Genetics (formerly Invitae), Labcorp
Classification: Uncertain significance. Last evaluated: 2024-12-17. Review status: criteria provided, single submitter. Criteria: Invitae Variant Classification Sherloc (09022015). Collection method: clinical testing. Allele origin: germline.
Comment: This sequence change replaces serine, which is neutral and polar, with proline, which is neutral and non-polar, at codon 3611 of the MACF1 protein (p.Ser3611Pro). This variant is not present in population databases (gnomAD no frequency). This variant has not been reported in the literature in individuals affected with MACF1-related conditions. An algorithm developed to predict the effect of missense changes on protein structure and function (PolyPhen-2) suggests that this variant is likely to be disruptive. In summary, the available evidence is currently insufficient to determine the role of this variant in disease. Therefore, it has been classified as a Variant of Uncertain Significance.

NM_001394062.1(MACF1):c.17017T>C (p.Ser5673Pro)

Gene: MACF1 (microtubule actin crosslinking factor 1; plus strand). Cytogenetic location: 1p34.3.
Variant type: single nucleotide variant.
Coding change: c.17017T>C on transcript NM_001394062.1 (MANE Select); coding-DNA position 17017, T replaced by C.
Protein change: p.Ser5673Pro; replaces serine 5673 with proline.
Molecular consequence: missense variant.
Genome position (GRCh38, 1-based): chr1:39,429,955, T>C. VCF-style: chr1-39429955-T-C. GRCh37 (hg19) VCF-style: chr1-39895627-T-C.
Other names: c.5086T>C, p.Ser1696Pro (NM_001397473.1); c.10831T>C, p.Ser3611Pro (NM_012090.5); short protein forms S5673P, S1696P, S3611P.
Identifiers: ClinVar variation 3699728 (VCV003699728.2).
Genomic context (GRCh38, chr1:39,429,955, plus strand): 5'-ACTAGCTCCAAGGCCCTCAGAACTTTAGAGCAAGCCCGGCAGCTGGCCACCAAGTTCCAG[T>C]CTACTTATGAGGAACTGACCGGGTGGCTGAGGGAGGTGGAGGAGGAGCTGGCAACCAGTG-3'
Protein context (NP_001380991.1, residues 5663-5683): QARQLATKFQ[Ser5673Pro]TYEELTGWLR